The following is an entry in ClinVar:

ClinVar aggregate classification (germline): Conflicting classifications of pathogenicity. Review status: criteria provided, conflicting classifications (1 of 4 stars). 3 submissions from 3 submitters: Uncertain significance (1); Likely benign (2). Last evaluated 2025-09-19.

Conditions:
Hereditary cancer-predisposing syndrome. Also called: Hereditary Cancer Syndrome; Neoplastic Syndromes, Hereditary; Hereditary neoplastic syndrome; Tumor predisposition. Identifiers: Orphanet 140162, MedGen C0027672, MeSH D009386, MONDO:0015356.

Allele frequency attached by ClinVar (database versions not stated): gnomAD exomes below 0.00001.
gnomAD v4.1: 3 of 1,608,708 alleles (0.00019%); highest among the groups gnomAD compares: Non-Finnish European, 0.00017%; no homozygotes.

Submissions (3):

Labcorp Genetics (formerly Invitae), Labcorp
Classification: Likely benign. Last evaluated: 2025-09-19. Review status: criteria provided, single submitter. Criteria: Invitae Variant Classification Sherloc (09022015). Collection method: clinical testing. Allele origin: germline.

GeneDx
Classification: Uncertain significance. Last evaluated: 2019-10-16. Review status: criteria provided, single submitter. Criteria: GeneDx Variant Classification Process June 2021. Collection method: clinical testing. Allele origin: germline. Affected: yes.
Comment: Not observed in large population cohorts (Lek et al., 2016)

Ambry Genetics
Classification: Likely benign for Hereditary cancer-predisposing syndrome. Last evaluated: 2018-08-30. Review status: criteria provided, single submitter. Criteria: Ambry Variant Classification Scheme 2023. Collection method: clinical testing. Allele origin: germline.

NM_006231.4(POLE):c.6498C>T (p.Asp2166=)

Gene: POLE (DNA polymerase epsilon, catalytic subunit; minus strand). Cytogenetic location: 12q24.33.
Variant type: single nucleotide variant.
Coding change: c.6498C>T on transcript NM_006231.4 (MANE Select); coding-DNA position 6498, C replaced by T.
Protein change: p.Asp2166=; no amino-acid change (aspartic acid 2166 retained).
Molecular consequence: synonymous variant.
Genome position (GRCh38, 1-based): chr12:132,626,150, G>A on the plus strand (C>T on the coding strand, the complement: POLE is on the minus strand). VCF-style: chr12-132626150-G-A. GRCh37 (hg19) VCF-style: chr12-133202736-G-A.
Identifiers: ClinVar variation 1141636 (VCV001141636.14), dbSNP rs946547049, ClinGen allele CA246286674.